The following is an entry in ClinVar:

ClinVar aggregate classification (germline): Likely benign. Review status: criteria provided, multiple submitters, no conflicts (2 of 4 stars). 3 submissions from 3 submitters: Likely benign (2). 1 of the submissions does not count toward it. Last evaluated 2024-02-19.

Conditions:
FCSK-related disorder. Also called: FCSK-related condition.

Allele frequency attached by ClinVar (database versions not stated): ExAC 0.00001; gnomAD exomes 0.00004; TOPMed 0.00004; gnomAD 0.00005; ESP Exome Variant Server 0.00008.
gnomAD v4.1: 69 of 1,613,522 alleles (0.0043%); highest among the groups gnomAD compares: Non-Finnish European, 0.0054%; no homozygotes.

Submissions (3):

Blueprint Genetics
Classification: Likely benign. Last evaluated: 2024-02-19. Review status: criteria provided, single submitter. Criteria: ACMG Guidelines, 2015. Collection method: clinical testing. Allele origin: germline.

Labcorp Genetics (formerly Invitae), Labcorp
Classification: Likely benign. Last evaluated: 2023-05-01. Review status: criteria provided, single submitter. Criteria: Invitae Variant Classification Sherloc (09022015). Collection method: clinical testing. Allele origin: germline.

PreventionGenetics, part of Exact Sciences
Classification: Likely benign for FCSK-related condition. Last evaluated: 2019-11-08. Review status: no assertion criteria provided. Collection method: clinical testing. Allele origin: germline. Not counted in ClinVar's aggregate classification.
Comment: This variant is classified as likely benign based on ACMG/AMP sequence variant interpretation guidelines (Richards et al. 2015 PMID: 25741868, with internal and published modifications).

NM_145059.3(FCSK):c.1953G>A (p.Glu651=)

Gene: FCSK (fucose kinase; plus strand). Cytogenetic location: 16q22.1.
Variant type: single nucleotide variant.
Coding change: c.1953G>A on transcript NM_145059.3 (MANE Select); coding-DNA position 1953, G replaced by A.
Protein change: p.Glu651=; no amino-acid change (glutamic acid 651 retained).
Molecular consequence: synonymous variant.
Genome position (GRCh38, 1-based): chr16:70,474,304, G>A. VCF-style: chr16-70474304-G-A. GRCh37 (hg19) VCF-style: chr16-70508207-G-A.
Other names: c.1953G>A (NM_145059.2).
Identifiers: ClinVar variation 2954831 (VCV002954831.6), dbSNP rs201746910, ClinGen allele CA8143453.